The following is an entry in ClinVar:

NM_001012301.4(ARSI):c.1441C>T (p.Arg481Trp)

Gene: ARSI (arylsulfatase family member I; minus strand). Cytogenetic location: 5q32.
Variant type: single nucleotide variant.
Coding change: c.1441C>T on transcript NM_001012301.4 (MANE Select); coding-DNA position 1441, C replaced by T.
Protein change: p.Arg481Trp; replaces arginine 481 with tryptophan.
Molecular consequence: missense variant.
Genome position (GRCh38, 1-based): chr5:150,297,483, G>A on the plus strand (C>T on the coding strand, the complement: ARSI is on the minus strand). VCF-style: chr5-150297483-G-A. GRCh37 (hg19) VCF-style: chr5-149677046-G-A.
Other names: short protein forms R481W.
Identifiers: ClinVar variation 1468722 (VCV001468722.8), dbSNP rs1217868286, ClinGen allele CA361727027.

ClinVar aggregate classification (germline): Uncertain significance (1 of 4 stars; one submission).

Conditions:
Spastic paraplegia. Identifiers: MedGen C0037772, HP:0001258.

Allele frequency attached by ClinVar (database versions not stated): gnomAD exomes below 0.00001 and 0.00001; TOPMed below 0.00001.

Submission:

Labcorp Genetics (formerly Invitae), Labcorp
Classification: Uncertain significance for Spastic paraplegia. Last evaluated: 2021-06-29. Review status: criteria provided, single submitter. Criteria: Invitae Variant Classification Sherloc (09022015). Collection method: clinical testing. Allele origin: germline.
Comment: This sequence change replaces arginine with tryptophan at codon 481 of the ARSI protein (p.Arg481Trp). The arginine residue is moderately conserved and there is a moderate physicochemical difference between arginine and tryptophan. This variant is not present in population databases (ExAC no frequency). This variant has not been reported in the literature in individuals affected with ARSI-related conditions. Algorithms developed to predict the effect of missense changes on protein structure and function are either unavailable or do not agree on the potential impact of this missense change (SIFT: "Deleterious"; PolyPhen-2: "Possibly Damaging"; Align-GVGD: "Class C0"). In summary, the available evidence is currently insufficient to determine the role of this variant in disease. Therefore, it has been classified as a Variant of Uncertain Significance.